The following is an entry in ClinVar:

ClinVar aggregate classification (germline): Pathogenic. Review status: criteria provided, multiple submitters, no conflicts (2 of 4 stars). 6 submissions from 6 submitters: Pathogenic (6). Last evaluated 2025-10-05.

Conditions:
Myoclonic dystonia 11 (DYT11). Also called: DYT-SGCE; Dystonia 11; Dystonia, alcohol responsive; Hereditary essential myoclonus; SGCE Myoclonus-Dystonia; Myoclonus-Dystonia. Identifiers: Orphanet 36899, MedGen C1834570, MONDO:0008044, OMIM 159900.

Submissions (6):

Labcorp Genetics (formerly Invitae), Labcorp
Classification: Pathogenic for Myoclonic dystonia 11. Last evaluated: 2025-10-05. Review status: criteria provided, single submitter. Criteria: Invitae Variant Classification Sherloc (09022015). Collection method: clinical testing. Allele origin: germline.
Comment: This sequence change creates a premature translational stop signal (p.Arg207Glyfs*12) in the SGCE gene. It is expected to result in an absent or disrupted protein product. Loss-of-function variants in SGCE are known to be pathogenic (PMID: 12821748, 15389977, 17853490, 24297365). This variant is not present in population databases (gnomAD no frequency). This premature translational stop signal has been observed in individual(s) with clinical features of idiopathic generalized epilepsy (internal data). ClinVar contains an entry for this variant (Variation ID: 448358). For these reasons, this variant has been classified as Pathogenic.

GeneDx
Classification: Pathogenic. Last evaluated: 2025-04-21. Review status: criteria provided, single submitter. Criteria: GeneDx Variant Classification Process June 2021. Collection method: clinical testing. Allele origin: germline.
Comment: Frameshift variant predicted to result in protein truncation or nonsense mediated decay in a gene for which loss of function is a known mechanism of disease; Not observed at significant frequency in large population cohorts (gnomAD); This variant is associated with the following publications: (PMID: 35872528, 32775037, 33098801)

Institute of Medical Genetics and Applied Genomics, University Hospital Tübingen
Classification: Pathogenic for Myoclonic dystonia 11. Last evaluated: 2023-05-23. Review status: criteria provided, single submitter. Criteria: ACMG Guidelines, 2015. Collection method: clinical testing. Allele origin: germline. Inheritance: Autosomal dominant inheritance. Affected: yes.

Rady Children's Institute for Genomic Medicine, Rady Children's Hospital San Diego
Classification: Pathogenic for DYSTONIA 11, MYOCLONIC. Last evaluated: 2020-08-12. Review status: criteria provided, single submitter. Criteria: ACMG Guidelines, 2015. Collection method: clinical testing. Allele origin: germline. Affected: yes.
Comment: This frameshifting variant in exon 5 of 12 introduces a premature stop codon and is therefore predicted to result in loss of normal protein function through either protein truncation or nonsense-mediated mRNA decay (NMD). This alteration has been identified in at least three individuals with myoclonus-dystonia (M-D) (PMID: 32775037, 28869676). In addition, a different frameshift variant leading to a protein truncation at the same codon 218, c.623delG (p.Gly208Valfs*11), was identified in an individual with myoclonus-dystonia syndrome and prominent psychiatric comorbidities (PMID: 29429788). Furthermore, a nearby frameshift variant, c.619_620delAG (p.Arg207Glyfs*9), was reported in a large M-D family where all the affected individuals inherited the alteration from the father, indicating maternal imprinting and paternal expression (PMID: 16534121, 17101905, 19506430). The c.619del (p.Arg207GlyfsTer12) is absent from the gnomAD population database and thus is presumed to be rare. Based on the available evidence, the c.619del (p.Arg207GlyfsTer12) variant is classified as Pathogenic.

Institute of Human Genetics Munich, TUM University Hospital
Classification: Pathogenic for Myoclonic dystonia 11. Last evaluated: 2019-05-07. Review status: criteria provided, single submitter. Criteria: Classification criteria August 2017. Collection method: clinical testing. Allele origin: paternal. Inheritance: Autosomal dominant inheritance. Affected: yes. Observed: 1 heterozygote.

Athena Diagnostics
Classification: Pathogenic. Last evaluated: 2016-12-12. Review status: criteria provided, single submitter. Criteria: Athena Diagnostics Criteria. Collection method: clinical testing. Allele origin: germline.

Literature cited by the submitters: PubMed 12821748 (cited by Labcorp Genetics (formerly Invitae), Labcorp); PubMed 15389977 (cited by Labcorp Genetics (formerly Invitae), Labcorp); PubMed 17853490 (cited by Labcorp Genetics (formerly Invitae), Labcorp); PubMed 24297365 (cited by Labcorp Genetics (formerly Invitae), Labcorp).

NM_003919.3(SGCE):c.619del (p.Arg207fs)

Genes: CASD1 (CAS1 domain sialic acid O acetyltransferase 1; plus strand), SGCE (sarcoglycan epsilon; minus strand). Cytogenetic location: 7q21.3.
Variant type: Deletion.
Coding change: c.619del on transcript NM_003919.3 (MANE Select); coding-DNA position 619, one base deleted (A; older notation c.619delA).
Protein change: p.Arg207fs; shifts the reading frame from arginine 207.
Molecular consequence: frameshift variant.
Genome position (GRCh38, 1-based): chr7:94,618,801, T deleted on the plus strand (A on the coding strand, the reverse complement: SGCE is on the minus strand). VCF-style (leftmost placement, unchanged base first): chr7-94618800-CT-C. GRCh37 (hg19) VCF-style: chr7-94248112-CT-C.
Other names: c.619del, p.Arg207fs (NM_001099400.2, NM_001099401.2, NM_001346717.2); c.496del, p.Arg166fs (NM_001301139.2, NM_001362809.2); c.727del, p.Arg243fs (NM_001346713.2, NM_001346715.2); c.532del, p.Arg178fs (NM_001346719.2, NM_001362807.2); c.346del, p.Arg116fs (NM_001346720.2, NM_001362808.2); c.619del (NM_003919.2); c.619delA (NM_003919.2); short protein forms R116fs, R178fs, R166fs, R207fs, R243fs.
Identifiers: ClinVar variation 448358 (VCV000448358.14), dbSNP rs1554352819, ClinGen allele CA658657698.
Genomic context (GRCh38, chr7:94,618,800, plus strand): 5'-AGATAAAGATCTGCTTACCCCTCCTTCAGGTCATTAATGGGAAGTGGCACCCTGCCACCC[CT>C]GTCTAGGGCCGATGTGATGTTTATGGCGTTCAGGCGCTCTGGCTGCCACACATTTTTCAC-3'